The following is an entry in ClinVar:

NM_004184.4(WARS1):c.93G>A (p.Ala31=)

Gene: WARS1 (tryptophanyl-tRNA synthetase 1; minus strand). Cytogenetic location: 14q32.2.
Variant type: single nucleotide variant.
Coding change: c.93G>A on transcript NM_004184.4 (MANE Select); coding-DNA position 93, G replaced by A.
Protein change: p.Ala31=; no amino-acid change (alanine 31 retained).
Molecular consequence: synonymous variant. On other transcripts: intron variant (2).
Genome position (GRCh38, 1-based): chr14:100,369,093, C>T on the plus strand (G>A on the coding strand, the complement: WARS1 is on the minus strand). VCF-style: chr14-100369093-C-T. GRCh37 (hg19) VCF-style: chr14-100835430-C-T.
Other names: c.93G>A, p.Ala31= (NM_173701.2); c.-25+7167G>A (NM_213645.2); c.-25+6190G>A (NM_213646.2).
Identifiers: ClinVar variation 4873867 (VCV004873867.2).

ClinVar aggregate classification (germline): Likely benign (1 of 4 stars; one submission).

gnomAD v4.1: 30 of 1,550,428 alleles (0.0019%); highest among the groups gnomAD compares: Middle Eastern, 0.017%; no homozygotes.

Submission:

CeGaT Center for Human Genetics Tuebingen
Classification: Likely benign. Last evaluated: 2026-06-01. Review status: criteria provided, single submitter. Criteria: CeGaT Center For Human Genetics Tuebingen Variant Classification Criteria Version 2. Collection method: clinical testing. Allele origin: germline. Affected: yes. Observed: 1 variant allele.
Comment: WARS1: BP4, BP7